The following is an entry in ClinVar:

ClinVar aggregate classification (germline): Uncertain significance (1 of 4 stars; one submission).

Conditions:
Epileptic encephalopathy. Identifiers: MedGen C0543888, HP:0200134.

Submission:

Labcorp Genetics (formerly Invitae), Labcorp
Classification: Uncertain significance for Epileptic encephalopathy. Last evaluated: 2025-11-17. Review status: criteria provided, single submitter. Criteria: Invitae Variant Classification Sherloc (09022015). Collection method: clinical testing. Allele origin: germline.
Comment: This sequence change replaces serine, which is neutral and polar, with asparagine, which is neutral and polar, at codon 1269 of the FASN protein (p.Ser1269Asn). This variant is not present in population databases (gnomAD no frequency). This variant has not been reported in the literature in individuals affected with FASN-related conditions. An algorithm developed to predict the effect of missense changes on protein structure and function (PolyPhen-2) suggests that this variant is likely to be tolerated. In summary, the available evidence is currently insufficient to determine the role of this variant in disease. Therefore, it has been classified as a Variant of Uncertain Significance.

NM_004104.5(FASN):c.3806G>A (p.Ser1269Asn)

Gene: FASN (fatty acid synthase; minus strand). Cytogenetic location: 17q25.3.
Variant type: single nucleotide variant.
Coding change: c.3806G>A on transcript NM_004104.5 (MANE Select); coding-DNA position 3806, G replaced by A.
Protein change: p.Ser1269Asn; replaces serine 1269 with asparagine.
Molecular consequence: missense variant.
Genome position (GRCh38, 1-based): chr17:82,085,798, C>T on the plus strand (G>A on the coding strand, the complement: FASN is on the minus strand). VCF-style: chr17-82085798-C-T. GRCh37 (hg19) VCF-style: chr17-80043674-C-T.
Other names: short protein forms S1269N.
Identifiers: ClinVar variation 4700097 (VCV004700097.1).